The following is an entry in ClinVar:

NM_001384900.1(SEMA3D):c.664A>G (p.Thr222Ala)

Gene: SEMA3D (semaphorin 3D; minus strand). Cytogenetic location: 7q21.11.
Variant type: single nucleotide variant.
Coding change: c.664A>G on transcript NM_001384900.1 (MANE Select); coding-DNA position 664, A replaced by G.
Protein change: p.Thr222Ala; replaces threonine 222 with alanine.
Molecular consequence: missense variant.
Genome position (GRCh38, 1-based): chr7:85,065,478, T>C on the plus strand (A>G on the coding strand, the complement: SEMA3D is on the minus strand). VCF-style: chr7-85065478-T-C. GRCh37 (hg19) VCF-style: chr7-84694794-T-C.
Other names: c.664A>G, p.Thr222Ala (NM_001384901.1, NM_001384902.1, NM_001384903.1 and 1 more transcripts); short protein forms T222A.
Identifiers: ClinVar variation 3033163 (VCV003033163.2), dbSNP rs148644955, ClinGen allele CA4323676.

ClinVar aggregate classification (germline): Likely benign (0 of 4 stars; one submission).

Conditions:
SEMA3D-related disorder. Also called: SEMA3D-related condition.

Allele frequency attached by ClinVar (database versions not stated): 1000 Genomes Project 30x 0.00031; 1000 Genomes Project 0.00040; ESP Exome Variant Server 0.00054; ExAC 0.00070; gnomAD 0.00072; TOPMed 0.00073.
gnomAD v4.1: 1,851 of 1,612,944 alleles (0.11%); highest among the groups gnomAD compares: Non-Finnish European, 0.15%; 4 homozygotes.

Submission:

PreventionGenetics, part of Exact Sciences
Classification: Likely benign for SEMA3D-related condition. Last evaluated: 2022-04-04. Review status: no assertion criteria provided. Collection method: clinical testing. Allele origin: germline.
Comment: This variant is classified as likely benign based on ACMG/AMP sequence variant interpretation guidelines (Richards et al. 2015 PMID: 25741868, with internal and published modifications).